The following is an entry in ClinVar:

ClinVar aggregate classification (germline): Pathogenic/Likely pathogenic. Review status: criteria provided, multiple submitters, no conflicts (2 of 4 stars). 4 submissions from 4 submitters: Pathogenic (3); Likely pathogenic (1). Last evaluated 2026-09-08.

Conditions:
Fabry disease. Also called: Ceramide trihexosidosis; GLA DEFICIENCY; HEREDITARY DYSTOPIC LIPIDOSIS; Angiokeratoma corporis diffusum; Fabry's disease; ALPHA-GALACTOSIDASE A DEFICIENCY. Identifiers: Orphanet 324, MedGen C0002986, MONDO:0010526, OMIM 301500, HP:0001071. Disease mechanism: Fabry disease is due to inactivating mutations in the X-linked GLA gene resulting in deficiency of the enzyme Alpha Galactosidase-A., loss of function.
Cardiovascular phenotype. Identifiers: MedGen CN230736.

Submissions (4):

Genomenon, Inc
Classification: Pathogenic for Fabry disease. Last evaluated: 2026-09-08. Review status: criteria provided, single submitter. Criteria: Genomenon Sequence Variant Interpretation Standards - Updated. Collection method: curation. Allele origin: germline. Affected: yes.
Comment: GLA p.Met1? (c.1A>G) is a variant that disrupts the initiation codon leading to an altered or absent protein product. This variant has been observed in at least one proband with clinical features consistent with Fabry disease (PMID:28672034;33915609;36745055;23818648;31093369). The variant was found to segregate with disease in at least one affected family (PMID:28672034;23818648). At least one functional study has demonstrated a substantial alteration in protein function relative to the wild-type (PMID:27657681). It is absent or not present at a significant frequency in gnomAD. In conclusion, we classify GLA p.Met1? (c.1A>G) as a pathogenic variant.

Labcorp Genetics (formerly Invitae), Labcorp
Classification: Pathogenic for Fabry disease. Last evaluated: 2024-04-29. Review status: criteria provided, single submitter. Criteria: Invitae Variant Classification Sherloc (09022015). Collection method: clinical testing. Allele origin: germline.
Comment: This sequence change affects the initiator methionine of the GLA mRNA. The next in-frame methionine is located at codon 42. This variant is not present in population databases (gnomAD no frequency). Disruption of the initiator codon has been observed in individual(s) with Fabry disease (PMID: 8807334, 12175777, 27896102, 28275245, 28672034, 31372342). ClinVar contains an entry for this variant (Variation ID: 1323011). For these reasons, this variant has been classified as Pathogenic.

Ambry Genetics
Classification: Likely pathogenic for Cardiovascular phenotype. Last evaluated: 2023-07-06. Review status: criteria provided, single submitter. Criteria: Ambry Variant Classification Scheme 2023. Collection method: clinical testing. Allele origin: germline.
Comment: The p.M1? variant (also known as c.1A>G) is located in coding exon 1 of the GLA gene and results from a A to G substitution at nucleotide position 1. This alters the methionine residue at the initiation codon (ATG). This alteration has been reported in individuals with Fabry disease (Liguori R et al. PLoS One. 2017 Jul 3;12(7):e0180581; Paz et al. J Bras Nefrol. 2023 Feb 6:S0101-28002023005005502). This variant is considered to be rare based on population cohorts in the Genome Aggregation Database (gnomAD). This amino acid position is not well conserved in available vertebrate species. In addition to the clinical data presented in the literature, sequence variations that modify the initiation codon are expected to result in either loss of translation initiation, N-terminal truncation, or cause a shift in the mRNA reading frame. Based on the majority of available evidence to date, this variant is likely to be pathogenic.

Revvity Omics, Revvity
Classification: Pathogenic. Last evaluated: 2020-07-01. Review status: criteria provided, single submitter. Criteria: ACMG Guidelines, 2015. Collection method: clinical testing. Allele origin: germline.

Literature cited by the submitters: PubMed 28672034 (cited by 3 submitters); PubMed 33915609 (cited by Genomenon, Inc); PubMed 36745055 (cited by Genomenon, Inc and Ambry Genetics); PubMed 23818648 (cited by Genomenon, Inc); PubMed 31093369 (cited by Genomenon, Inc); PubMed 27657681 (cited by Genomenon, Inc); PubMed 8807334 (cited by Labcorp Genetics (formerly Invitae), Labcorp); PubMed 12175777 (cited by Labcorp Genetics (formerly Invitae), Labcorp); PubMed 27896102 (cited by Labcorp Genetics (formerly Invitae), Labcorp); PubMed 28275245 (cited by Labcorp Genetics (formerly Invitae), Labcorp); PubMed 31372342 (cited by Labcorp Genetics (formerly Invitae), Labcorp).

NM_000169.3(GLA):c.1A>G (p.Met1Val)

Genes: GLA (galactosidase alpha; minus strand), RPL36A-HNRNPH2 (RPL36A-HNRNPH2 readthrough; plus strand). Cytogenetic location: Xq22.1.
Variant type: single nucleotide variant.
Coding change: c.1A>G on transcript NM_000169.3 (MANE Select); coding-DNA position 1, A replaced by G.
Protein change: p.Met1Val; changes the start codon (methionine 1).
Molecular consequence: missense variant, initiator codon variant. On other transcripts: non-coding transcript variant (3), intron variant (2).
Genome position (GRCh38, 1-based): chrX:101,407,903, T>C on the plus strand (A>G on the coding strand, the complement: GLA is on the minus strand). VCF-style: chrX-101407903-T-C. GRCh37 (hg19) VCF-style: chrX-100662891-T-C.
Other names: c.1A>G, p.Met1Val (NM_001406747.1, NM_001406748.1, NM_001406749.1); c.301-4033T>C (NM_001199973.2); c.178-4033T>C (NM_001199974.2); short protein forms M1V.
Identifiers: ClinVar variation 1323011 (VCV001323011.12), dbSNP rs869312265, ClinGen allele CA352616.